The following is an entry in ClinVar:

NM_001077350.3(NPRL3):c.1162-5C>T

Genes: HBA-LCR (alpha-globin locus control region; plus strand), NPRL3 (NPR3 like, GATOR1 complex subunit; minus strand). Cytogenetic location: 16p13.3.
Variant type: single nucleotide variant.
Coding change: c.1162-5C>T on transcript NM_001077350.3 (MANE Select); 5 bases into the intron before coding-DNA position 1162, C replaced by T.
Molecular consequence: intron variant.
Genome position (GRCh38, 1-based): chr16:89,907, G>A on the plus strand (C>T on the coding strand, the complement: NPRL3 is on the minus strand). VCF-style: chr16-89907-G-A. GRCh37 (hg19) VCF-style: chr16-139905-G-A.
Other names: c.928-5C>T (NM_001243247.2); c.1087-5C>T (NM_001243248.2, NM_001243249.2); c.625-5C>T (NM_001039476.3).
Identifiers: ClinVar variation 871155 (VCV000871155.48), dbSNP rs768868339, ClinGen allele CA7769425.
Genomic context (GRCh38, chr16:89,907, plus strand): 5'-AGCTGGATGAGAAGCCGGCGCTGCAGCATCCACACCACCATCTGGATGAGCTGGGTCTGC[G>A]GGTGGCAGCAGGTGAGGCTGGTCCCCCTCCCCACTCCAACTTCCTCCTGGGTGATCAGGG-3'

ClinVar aggregate classification (germline): Likely benign. Review status: criteria provided, multiple submitters, no conflicts (2 of 4 stars). 2 submissions from 2 submitters: Likely benign (2). Last evaluated 2026-02-01.

Conditions:
Epilepsy, familial focal, with variable foci 3 (FFEVF3). Identifiers: MedGen C4310708, MONDO:0014925, OMIM 617118.

Allele frequency attached by ClinVar (database versions not stated): TOPMed 0.00002; gnomAD exomes 0.00009; ExAC 0.00030.
gnomAD v4.1: 46 of 1,543,936 alleles (0.003%); highest among the groups gnomAD compares: South Asian, 0.037%; no homozygotes.

Submissions (2):

CeGaT Center for Human Genetics Tuebingen
Classification: Likely benign. Last evaluated: 2026-02-01. Review status: criteria provided, single submitter. Criteria: CeGaT Center For Human Genetics Tuebingen Variant Classification Criteria Version 2. Collection method: clinical testing. Allele origin: germline. Affected: yes. Observed: 2 variant alleles.
Comment: NPRL3: BP4

Labcorp Genetics (formerly Invitae), Labcorp
Classification: Likely benign for Epilepsy, familial focal, with variable foci 3. Last evaluated: 2025-01-25. Review status: criteria provided, single submitter. Criteria: Invitae Variant Classification Sherloc (09022015). Collection method: clinical testing. Allele origin: germline.